The following is an entry in ClinVar:

ClinVar aggregate classification (germline): Uncertain significance (1 of 4 stars; one submission).

Conditions:
Inborn genetic diseases. Identifiers: MedGen C0950123, MeSH D030342.

Submission:

Ambry Genetics
Classification: Uncertain significance for Inborn genetic diseases. Last evaluated: 2026-06-21. Review status: criteria provided, single submitter. Criteria: Ambry Variant Classification Scheme 2023. Collection method: clinical testing. Allele origin: germline.
Comment: The p.E405A variant (also known as c.1214A>C), located in coding exon 7 of the ERCC6L2 gene, results from an A to C substitution at nucleotide position 1214. The glutamic acid at codon 405 is replaced by alanine, an amino acid with dissimilar properties. This amino acid position is conserved. In addition, this alteration is predicted to be tolerated by in silico analysis. Based on the available evidence, the clinical significance of this variant remains unclear.

NM_020207.7(ERCC6L2):c.1214A>C (p.Glu405Ala)

Gene: ERCC6L2 (ERCC excision repair 6 like 2; plus strand). Cytogenetic location: 9q22.32.
Variant type: single nucleotide variant.
Coding change: c.1214A>C on transcript NM_020207.7 (MANE Select); coding-DNA position 1214, A replaced by C.
Protein change: p.Glu405Ala; replaces glutamic acid 405 with alanine.
Molecular consequence: missense variant. On other transcripts: non-coding transcript variant (1).
Genome position (GRCh38, 1-based): chr9:95,921,230, A>C. VCF-style: chr9-95921230-A-C. GRCh37 (hg19) VCF-style: chr9-98683512-A-C.
Other names: c.1214A>C, p.Glu405Ala (NM_001010895.4, NM_001375291.1, NM_001375292.1 and 2 more transcripts); short protein forms E405A.
Identifiers: ClinVar variation 5036071 (VCV005036071.1).
Genomic context (GRCh38, chr9:95,921,230, plus strand): 5'-GGCAGATGGTGTATTGTTCTTTGACAGATTTCCAGAAAGCTGTCTATCAAACAGTGTTAG[A>C]AACAGAGGACGTGACTTTGATACTTCAATCTTCTGAGCCTTGTACCTGTAGGAGTGGCCA-3'
Protein context (NP_064592.3, residues 395-415): FQKAVYQTVL[Glu405Ala]TEDVTLILQS